The following is an entry in ClinVar:

NM_001166108.2(PALLD):c.1577A>T (p.Asp526Val)

Gene: PALLD (palladin, cytoskeletal associated protein; plus strand). Cytogenetic location: 4q32.3.
Variant type: single nucleotide variant.
Coding change: c.1577A>T on transcript NM_001166108.2 (MANE Select); coding-DNA position 1577, A replaced by T.
Protein change: p.Asp526Val; replaces aspartic acid 526 with valine.
Molecular consequence: missense variant.
Genome position (GRCh38, 1-based): chr4:168,709,103, A>T. VCF-style: chr4-168709103-A-T. GRCh37 (hg19) VCF-style: chr4-169630254-A-T.
Other names: c.431A>T, p.Asp144Val (NM_001166109.2); c.1577A>T, p.Asp526Val (NM_016081.4); short protein forms D144V, D526V.
Identifiers: ClinVar variation 1775612 (VCV001775612.3), dbSNP rs1471140102, ClinGen allele CA358797530.

ClinVar aggregate classification (germline): Uncertain significance (1 of 4 stars; one submission).

Allele frequency attached by ClinVar (database versions not stated): TOPMed below 0.00001; gnomAD 0.00001.
gnomAD v4.1: 2 of 1,613,756 alleles (0.00012%); highest among the groups gnomAD compares: Admixed American, 0.0033%; no homozygotes.

Submission:

Ambry Genetics
Classification: Uncertain significance. Last evaluated: 2024-06-23. Review status: criteria provided, single submitter. Criteria: Ambry Variant Classification Scheme 2023. Collection method: clinical testing. Allele origin: germline.
Comment: The p.D526V variant (also known as c.1577A>T), located in coding exon 8 of the PALLD gene, results from an A to T substitution at nucleotide position 1577. The aspartic acid at codon 526 is replaced by valine, an amino acid with highly dissimilar properties. This amino acid position is conserved. In addition, this alteration is predicted to be tolerated by in silico analysis. Since supporting evidence is limited at this time, the clinical significance of this alteration remains unclear.